The following is an entry in ClinVar:

ClinVar aggregate classification (germline): Uncertain significance (1 of 4 stars; one submission).

Conditions:
Congenital sideroblastic anemia-B-cell immunodeficiency-periodic fever-developmental delay syndrome. Also called: Sideroblastic anemia with B-cell immunodeficiency, periodic fevers, and developmental delay. Identifiers: Orphanet 369861, MedGen C4015172, MONDO:0014487, OMIM 616084.

Allele frequency attached by ClinVar (database versions not stated): gnomAD exomes below 0.00001.
gnomAD v4.1: 1 of 1,614,098 alleles (0.000062%); highest among the groups gnomAD compares: Non-Finnish European, 0.000085%; no homozygotes.

Submission:

Labcorp Genetics (formerly Invitae), Labcorp
Classification: Uncertain significance for Congenital sideroblastic anemia-B-cell immunodeficiency-periodic fever-developmental delay syndrome. Last evaluated: 2021-02-11. Review status: criteria provided, single submitter. Criteria: Invitae Variant Classification Sherloc (09022015). Collection method: clinical testing. Allele origin: germline.
Comment: This variant has not been reported in the literature in individuals with TRNT1-related conditions. In summary, the available evidence is currently insufficient to determine the role of this variant in disease. Therefore, it has been classified as a Variant of Uncertain Significance. Algorithms developed to predict the effect of missense changes on protein structure and function (SIFT, PolyPhen-2, Align-GVGD) all suggest that this variant is likely to be disruptive, but these predictions have not been confirmed by published functional studies and their clinical significance is uncertain. This variant is not present in population databases (ExAC no frequency). This sequence change replaces threonine with proline at codon 154 of the TRNT1 protein (p.Thr154Pro). The threonine residue is highly conserved and there is a small physicochemical difference between threonine and proline.

NM_182916.3(TRNT1):c.460A>C (p.Thr154Pro)

Gene: TRNT1 (tRNA nucleotidyl transferase 1; plus strand). Cytogenetic location: 3p26.2.
Variant type: single nucleotide variant.
Coding change: c.460A>C on transcript NM_182916.3 (MANE Select); coding-DNA position 460, A replaced by C.
Protein change: p.Thr154Pro; replaces threonine 154 with proline.
Molecular consequence: missense variant. On other transcripts: non-coding transcript variant (6).
Genome position (GRCh38, 1-based): chr3:3,140,627, A>C. VCF-style: chr3-3140627-A-C. GRCh37 (hg19) VCF-style: chr3-3182311-A-C.
Other names: c.460A>C, p.Thr154Pro (NM_001302946.2, NM_001367321.1, NM_001367322.1 and 1 more transcripts); short protein forms T154P.
Identifiers: ClinVar variation 1512204 (VCV001512204.8), dbSNP rs1233701431, ClinGen allele CA351444284.
Genomic context (GRCh38, chr3:3,140,627, plus strand): 5'-AGACATGCTGAGGTAGAATTTACAACTGACTGGCAGAAAGATGCGGAACGCAGAGATCTC[A>C]CTATAAATTCTATGTTTTTAGGTAATATTTGCAGATAAAACCATATTGTGAGTCTATCAG-3'
Protein context (NP_886552.3, residues 144-164): WQKDAERRDL[Thr154Pro]INSMFLGFDG